The following is an entry in ClinVar:

NM_015102.5(NPHP4):c.319G>A (p.Val107Met)

Gene: NPHP4 (nephrocystin 4; minus strand). Cytogenetic location: 1p36.31.
Variant type: single nucleotide variant.
Coding change: c.319G>A on transcript NM_015102.5 (MANE Select); coding-DNA position 319, G replaced by A.
Protein change: p.Val107Met; replaces valine 107 with methionine.
Molecular consequence: missense variant. On other transcripts: 5 prime UTR variant (2), non-coding transcript variant (1).
Genome position (GRCh38, 1-based): chr1:5,969,220, C>T on the plus strand (G>A on the coding strand, the complement: NPHP4 is on the minus strand). VCF-style: chr1-5969220-C-T. GRCh37 (hg19) VCF-style: chr1-6029280-C-T.
Other names: c.-911G>A (NM_001291593.2); c.-1048G>A (NM_001291594.2); short protein forms V107M.
Identifiers: ClinVar variation 857001 (VCV000857001.9), dbSNP rs377738968, ClinGen allele CA554870.

ClinVar aggregate classification (germline): Uncertain significance. Review status: criteria provided, multiple submitters, no conflicts (2 of 4 stars). 3 submissions from 3 submitters: Uncertain significance (3). Last evaluated 2026-02-18.

Conditions:
Senior-Loken syndrome 4 (SLSN4). Identifiers: Orphanet 3156, MedGen C1846979, MONDO:0011756, OMIM 606996.
Nephronophthisis 4 (NPHP4). Also called: NEPHRONOPHTHISIS 4, JUVENILE. Identifiers: Orphanet 655, MedGen C1847013, MONDO:0011752, OMIM 606966.
NPHP4-related disorder. Also called: NPHP4-related condition; NPHP4-related disorders. Identifiers: MedGen CN239384.
Nephronophthisis. Also called: Juvenile Nephronophthisis. Identifiers: Orphanet 655, MedGen C0687120, MONDO:0019005, HP:0000090.

Allele frequency attached by ClinVar (database versions not stated): gnomAD exomes 0.00002 and 0.00003; ExAC 0.00003; gnomAD 0.00003 and 0.00004; TOPMed 0.00003; ESP Exome Variant Server 0.00008.
gnomAD v4.1: 48 of 1,583,968 alleles (0.003%); highest among the groups gnomAD compares: Non-Finnish European, 0.004%; no homozygotes.

Submissions (3):

PreventionGenetics, part of Exact Sciences
Classification: Uncertain significance for NPHP4-related condition. Last evaluated: 2026-02-18. Review status: criteria provided, single submitter. Criteria: ACMG Guidelines, 2015. Collection method: clinical testing. Allele origin: germline.
Comment: The NPHP4 c.319G>A variant is predicted to result in the amino acid substitution p.Val107Met. To our knowledge, this variant has not been reported in the literature. This variant is reported in 0.0044% of alleles in individuals of European (Non-Finnish) descent in gnomAD. At this time, the clinical significance of this variant is uncertain due to the absence of conclusive functional and genetic evidence.

Labcorp Genetics (formerly Invitae), Labcorp
Classification: Uncertain significance for Nephronophthisis. Last evaluated: 2022-06-13. Review status: criteria provided, single submitter. Criteria: Invitae Variant Classification Sherloc (09022015). Collection method: clinical testing. Allele origin: germline.
Comment: This sequence change replaces valine, which is neutral and non-polar, with methionine, which is neutral and non-polar, at codon 107 of the NPHP4 protein (p.Val107Met). The frequency data for this variant in the population databases is considered unreliable, as metrics indicate poor data quality at this position in the gnomAD database. This variant has not been reported in the literature in individuals affected with NPHP4-related conditions. ClinVar contains an entry for this variant (Variation ID: 857001). Algorithms developed to predict the effect of missense changes on protein structure and function are either unavailable or do not agree on the potential impact of this missense change (SIFT: "Deleterious"; PolyPhen-2: "Benign"; Align-GVGD: "Class C0"). In summary, the available evidence is currently insufficient to determine the role of this variant in disease. Therefore, it has been classified as a Variant of Uncertain Significance.

Fulgent Genetics
Classification: Uncertain significance for Nephronophthisis 4; Senior-Loken syndrome 4. Last evaluated: 2022-05-18. Review status: criteria provided, single submitter. Criteria: ACMG Guidelines, 2015. Collection method: clinical testing. Allele origin: unknown.